The following is an entry in ClinVar:

ClinVar aggregate classification (germline): Uncertain significance. Review status: criteria provided, multiple submitters, no conflicts (2 of 4 stars). 3 submissions from 3 submitters: Uncertain significance (3). Last evaluated 2025-03-18.

Conditions:
Inborn genetic diseases. Identifiers: MedGen C0950123, MeSH D030342.

Allele frequency attached by ClinVar (database versions not stated): gnomAD exomes 0.00008; gnomAD 0.00001; TOPMed 0.00001; ExAC 0.00016.

Submissions (3):

Mayo Clinic Laboratories, Mayo Clinic
Classification: Uncertain significance. Last evaluated: 2025-03-18. Review status: criteria provided, single submitter. Criteria: ACMG Guidelines, 2015. Collection method: clinical testing. Allele origin: germline. Observed: 1 variant allele.
Comment: BP4_moderate

Ambry Genetics
Classification: Uncertain significance for Inborn genetic diseases. Last evaluated: 2025-01-01. Review status: criteria provided, single submitter. Criteria: Ambry Variant Classification Scheme 2023. Collection method: clinical testing. Allele origin: germline.

Labcorp Genetics (formerly Invitae), Labcorp
Classification: Uncertain significance. Last evaluated: 2017-08-21. Review status: criteria provided, single submitter. Criteria: Invitae Variant Classification Sherloc (09022015). Collection method: clinical testing. Allele origin: germline.
Comment: This sequence change replaces aspartic acid with asparagine at codon 403 of the FAM134B protein (p.Asp403Asn). The aspartic acid residue is moderately conserved and there is a small physicochemical difference between aspartic acid and asparagine. This variant is present in population databases (rs753136289, ExAC 0.03%). This variant has not been reported in the literature in individuals with FAM134B-related disease. Algorithms developed to predict the effect of missense changes on protein structure and function (SIFT, PolyPhen-2, Align-GVGD) all suggest that this variant is likely to be tolerated, but these predictions have not been confirmed by published functional studies and their clinical significance is uncertain. In summary, the available evidence is currently insufficient to determine the role of this variant in disease. Therefore, it has been classified as a Variant of Uncertain Significance.

NM_001034850.3(RETREG1):c.1207G>A (p.Asp403Asn)

Gene: RETREG1 (reticulophagy regulator 1; minus strand). Cytogenetic location: 5p15.1.
Variant type: single nucleotide variant.
Coding change: c.1207G>A on transcript NM_001034850.3 (MANE Select); coding-DNA position 1207, G replaced by A.
Protein change: p.Asp403Asn; replaces aspartic acid 403 with asparagine.
Molecular consequence: missense variant.
Genome position (GRCh38, 1-based): chr5:16,475,028, C>T on the plus strand (G>A on the coding strand, the complement: RETREG1 is on the minus strand). VCF-style: chr5-16475028-C-T. GRCh37 (hg19) VCF-style: chr5-16475137-C-T.
Other names: p.Asp403Asn; c.784G>A, p.Asp262Asn (NM_019000.5); c.1207G>A (NM_001034850.1); short protein forms D403N, D262N.
Identifiers: ClinVar variation 538122 (VCV000538122.9), dbSNP rs753136289, ClinGen allele CA3210232.
Genomic context (GRCh38, chr5:16,475,028, plus strand): 5'-CAGTCACTGCAGCTGTGATAACATCCCCAGCCAGGTTGCTCATCAGGTGAAAGGTTTGGT[C>T]ACTGTTCAGAGGAAGGGTGAGACCAGCTGCTGATTGCGTCTCTTTGCTTGGTCTGTGACC-3'
Protein context (NP_001030022.1, residues 393-413): AAGLTLPLNS[Asp403Asn]QTFHLMSNLA